The following is an entry in ClinVar:

ClinVar aggregate classification (germline): Uncertain significance (1 of 4 stars; one submission).

Conditions:
PPRC1-related disorder. Also called: PPRC1-related condition.

Submission:

PreventionGenetics, part of Exact Sciences
Classification: Uncertain significance for PPRC1-related condition. Last evaluated: 2023-09-11. Review status: criteria provided, single submitter. Criteria: ACMG Guidelines, 2015. Collection method: clinical testing. Allele origin: germline.
Comment: The PPRC1 c.2729T>C variant is predicted to result in the amino acid substitution p.Leu910Pro. To our knowledge, this variant has not been reported in the literature or in a large population database, indicating this variant is rare. At this time, the clinical significance of this variant is uncertain due to the absence of conclusive functional and genetic evidence.

NM_015062.5(PPRC1):c.2729T>C (p.Leu910Pro)

Gene: PPRC1 (PPARG related coactivator 1; plus strand). Cytogenetic location: 10q24.32.
Variant type: single nucleotide variant.
Coding change: c.2729T>C on transcript NM_015062.5 (MANE Select); coding-DNA position 2729, T replaced by C.
Protein change: p.Leu910Pro; replaces leucine 910 with proline.
Molecular consequence: missense variant.
Genome position (GRCh38, 1-based): chr10:102,141,237, T>C. VCF-style: chr10-102141237-T-C. GRCh37 (hg19) VCF-style: chr10-103900994-T-C.
Other names: c.2729T>C, p.Leu910Pro (NM_001288727.2); c.2369T>C, p.Leu790Pro (NM_001288728.2); short protein forms L790P, L910P.
Identifiers: ClinVar variation 2631643 (VCV002631643.1), dbSNP rs2541165489, ClinGen allele CA377879301.
Genomic context (GRCh38, chr10:102,141,237, plus strand): 5'-CCAGTCTGCCCCCACCTCCCTTGCAGCCTCCTAGTCTTCCATTGTCTATGGGGCCAGTAC[T>C]ACCTGATCCGTTTACTCACTATGCCCCCTTGCCATCCTGGCCTTGTTATCCTCATGTGTC-3'
Protein context (NP_055877.3, residues 900-920): PSLPLSMGPV[Leu910Pro]PDPFTHYAPL